The following is an entry in ClinVar:

NM_033028.5(BBS4):c.*43G>T

Gene: BBS4 (Bardet-Biedl syndrome 4; plus strand). Cytogenetic location: 15q24.1.
Variant type: single nucleotide variant.
Coding change: c.*43G>T on transcript NM_033028.5 (MANE Select); 43 bases downstream of the stop codon, G replaced by T.
Molecular consequence: 3 prime UTR variant. On other transcripts: non-coding transcript variant (2).
Genome position (GRCh38, 1-based): chr15:72,737,630, G>T. VCF-style: chr15-72737630-G-T. GRCh37 (hg19) VCF-style: chr15-73029971-G-T.
Other names: c.*43G>T (NM_001252678.2, NM_001320665.2).
Identifiers: ClinVar variation 317070 (VCV000317070.29), dbSNP rs144706746, ClinGen allele CA7647079.

ClinVar aggregate classification (germline): Likely benign. Review status: criteria provided, multiple submitters, no conflicts (2 of 4 stars). 2 submissions from 2 submitters: Likely benign (2). Last evaluated 2023-01-01.

Conditions:
Bardet-Biedl syndrome 4 (BBS4). Identifiers: Orphanet 110, MedGen C2936864, MONDO:0014433, OMIM 615982.

Allele frequency attached by ClinVar (database versions not stated): 1000 Genomes Project 0.00120; 1000 Genomes Project 30x 0.00125; gnomAD exomes 0.00352; TOPMed 0.00353; gnomAD 0.00421; ESP Exome Variant Server 0.00455; ExAC 0.00499.
gnomAD v4.1: 8,242 of 1,455,246 alleles (0.57%); highest among the groups gnomAD compares: Non-Finnish European, 0.73%; 33 homozygotes.

Submissions (2):

CeGaT Center for Human Genetics Tuebingen
Classification: Likely benign. Last evaluated: 2023-01-01. Review status: criteria provided, single submitter. Criteria: CeGaT Center For Human Genetics Tuebingen Variant Classification Criteria Version 2. Collection method: clinical testing. Allele origin: germline. Affected: yes. Observed: 1 variant allele.
Comment: BBS4: BS2

Illumina Laboratory Services, Illumina
Classification: Likely benign for Bardet-Biedl syndrome 4. Last evaluated: 2018-01-12. Review status: criteria provided, single submitter. Criteria: ICSL Variant Classification Criteria 13 December 2019. Collection method: clinical testing. Allele origin: germline.
Comment: This variant was observed in the ICSL laboratory as part of a predisposition screen in an ostensibly healthy population. It had not been previously curated by ICSL or reported in the Human Gene Mutation Database (HGMD: prior to June 1st, 2018), and was therefore a candidate for classification through an automated scoring system. Utilizing variant allele frequency, disease prevalence and penetrance estimates, and inheritance mode, an automated score was calculated to assess if this variant is too frequent to cause the disease. Based on the score and internal cut-off values, a variant classified as likely benign is not then subjected to further curation. The score for this variant resulted in a classification of likely benign for this disease.